The following is an entry in ClinVar:

NM_006158.5(NEFL):c.1559C>T (p.Thr520Ile)

Gene: NEFL (neurofilament light chain; minus strand). Cytogenetic location: 8p21.2.
Variant type: single nucleotide variant.
Coding change: c.1559C>T on transcript NM_006158.5 (MANE Select); coding-DNA position 1559, C replaced by T.
Protein change: p.Thr520Ile; replaces threonine 520 with isoleucine.
Molecular consequence: missense variant.
Genome position (GRCh38, 1-based): chr8:24,952,883, G>A on the plus strand (C>T on the coding strand, the complement: NEFL is on the minus strand). VCF-style: chr8-24952883-G-A. GRCh37 (hg19) VCF-style: chr8-24810396-G-A.
Other names: short protein forms T520I.
Identifiers: ClinVar variation 949731 (VCV000949731.8), dbSNP rs750697495, ClinGen allele CA4681234.

ClinVar aggregate classification (germline): Uncertain significance. Review status: criteria provided, multiple submitters, no conflicts (2 of 4 stars). 2 submissions from 2 submitters: Uncertain significance (2). Last evaluated 2025-12-15.

Conditions:
Charcot-Marie-Tooth disease type 2E (CMT2E). Also called: CHARCOT-MARIE-TOOTH NEUROPATHY, TYPE 2E; CHARCOT-MARIE-TOOTH DISEASE, AXONAL, TYPE 2E. Identifiers: Orphanet 99939, MedGen C1843225, MONDO:0011894, OMIM 607684.
Inborn genetic diseases. Identifiers: MedGen C0950123, MeSH D030342.

Allele frequency attached by ClinVar (database versions not stated): gnomAD exomes 0.00002 and 0.00007; ExAC 0.00003; TOPMed 0.00009.
gnomAD v4.1: 47 of 1,608,978 alleles (0.0029%); highest among the groups gnomAD compares: Admixed American, 0.045%; no homozygotes.

Submissions (2):

Ambry Genetics
Classification: Uncertain significance for Inborn genetic diseases. Last evaluated: 2025-12-15. Review status: criteria provided, single submitter. Criteria: Ambry Variant Classification Scheme 2023. Collection method: clinical testing. Allele origin: germline.

Labcorp Genetics (formerly Invitae), Labcorp
Classification: Uncertain significance for Charcot-Marie-Tooth disease type 2E. Last evaluated: 2024-08-20. Review status: criteria provided, single submitter. Criteria: Invitae Variant Classification Sherloc (09022015). Collection method: clinical testing. Allele origin: germline.
Comment: This sequence change replaces threonine, which is neutral and polar, with isoleucine, which is neutral and non-polar, at codon 520 of the NEFL protein (p.Thr520Ile). This variant is present in population databases (rs750697495, gnomAD 0.03%). This variant has not been reported in the literature in individuals affected with NEFL-related conditions. ClinVar contains an entry for this variant (Variation ID: 949731). Invitae Evidence Modeling of protein sequence and biophysical properties (such as structural, functional, and spatial information, amino acid conservation, physicochemical variation, residue mobility, and thermodynamic stability) has been performed for this missense variant. However, the output from this modeling did not meet the statistical confidence thresholds required to predict the impact of this variant on NEFL protein function. In summary, the available evidence is currently insufficient to determine the role of this variant in disease. Therefore, it has been classified as a Variant of Uncertain Significance.